The following is an entry in ClinVar:

NM_152564.5(VPS13B):c.11398T>C (p.Leu3800=)

Gene: VPS13B (vacuolar protein sorting 13 homolog B; plus strand). Cytogenetic location: 8q22.2.
Variant type: single nucleotide variant.
Coding change: c.11398T>C on transcript NM_152564.5 (MANE Select); coding-DNA position 11398, T replaced by C.
Protein change: p.Leu3800=; no amino-acid change (leucine 3800 retained).
Molecular consequence: synonymous variant.
Genome position (GRCh38, 1-based): chr8:99,870,790, T>C. VCF-style: chr8-99870790-T-C. GRCh37 (hg19) VCF-style: chr8-100883018-T-C.
Other names: c.11473T>C, p.Leu3825= (NM_017890.5); c.11398T>C (NM_152564.4).
Identifiers: ClinVar variation 1541288 (VCV001541288.17), dbSNP rs1817365435, ClinGen allele CA462339599.

ClinVar aggregate classification (germline): Likely benign. Review status: criteria provided, multiple submitters, no conflicts (2 of 4 stars). 3 submissions from 3 submitters: Likely benign (3). Last evaluated 2026-01-25.

Conditions:
VPS13B-related disorder. Also called: VPS13B-related condition.
Cohen syndrome (COH1). Also called: Cutis verticis gyrata, retinitis pigmentosa, and sensorineural deafness; PEPPER SYNDROME. Identifiers: Orphanet 193, MedGen C0265223, MONDO:0008999, OMIM 216550.

Allele frequency attached by ClinVar (database versions not stated): gnomAD exomes below 0.00001; gnomAD 0.00001; TOPMed 0.00001.
gnomAD v4.1: 5 of 1,614,066 alleles (0.00031%); highest among the groups gnomAD compares: Non-Finnish European, 0.00042%; no homozygotes.

Submissions (3):

PreventionGenetics, part of Exact Sciences
Classification: Likely benign for VPS13B-related condition. Last evaluated: 2026-01-25. Review status: criteria provided, single submitter. Criteria: ACMG Guidelines, 2015. Collection method: clinical testing. Allele origin: germline.
Comment: This variant is classified as likely benign based on ACMG/AMP sequence variant interpretation guidelines (Richards et al. 2015 PMID: 25741868, with internal and published modifications).

CeGaT Center for Human Genetics Tuebingen
Classification: Likely benign. Last evaluated: 2025-09-01. Review status: criteria provided, single submitter. Criteria: CeGaT Center For Human Genetics Tuebingen Variant Classification Criteria Version 2. Collection method: clinical testing. Allele origin: germline. Affected: yes. Observed: 1 variant allele.
Comment: VPS13B: BP4, BP7

Labcorp Genetics (formerly Invitae), Labcorp
Classification: Likely benign for Cohen syndrome. Last evaluated: 2024-10-09. Review status: criteria provided, single submitter. Criteria: Invitae Variant Classification Sherloc (09022015). Collection method: clinical testing. Allele origin: germline.